The following is an entry in ClinVar:

NM_015346.4(ZFYVE26):c.2614C>T (p.Arg872Cys)

Gene: ZFYVE26 (zinc finger FYVE-type containing 26; minus strand). Cytogenetic location: 14q24.1.
Variant type: single nucleotide variant.
Coding change: c.2614C>T on transcript NM_015346.4 (MANE Select); coding-DNA position 2614, C replaced by T.
Protein change: p.Arg872Cys; replaces arginine 872 with cysteine.
Molecular consequence: missense variant.
Genome position (GRCh38, 1-based): chr14:67,790,713, G>A on the plus strand (C>T on the coding strand, the complement: ZFYVE26 is on the minus strand). VCF-style: chr14-67790713-G-A. GRCh37 (hg19) VCF-style: chr14-68257430-G-A.
Other names: c.2614C>T (NM_015346.3); short protein forms R872C.
Identifiers: ClinVar variation 1879283 (VCV001879283.31), dbSNP rs763815387, ClinGen allele CA7240214.

ClinVar aggregate classification (germline): Uncertain significance. Review status: criteria provided, multiple submitters, no conflicts (2 of 4 stars). 3 submissions from 3 submitters: Uncertain significance (3). Last evaluated 2023-12-27.

Conditions:
Inborn genetic diseases. Identifiers: MedGen C0950123, MeSH D030342.

Allele frequency attached by ClinVar (database versions not stated): ExAC 0.00001; TOPMed 0.00001; gnomAD exomes 0.00002.
gnomAD v4.1: 24 of 1,614,196 alleles (0.0015%); highest among the groups gnomAD compares: East Asian, 0.0022%; no homozygotes.

Submissions (3):

Ambry Genetics
Classification: Uncertain significance for Inborn genetic diseases. Last evaluated: 2023-12-27. Review status: criteria provided, single submitter. Criteria: Ambry Variant Classification Scheme 2023. Collection method: clinical testing. Allele origin: germline.

CeGaT Center for Human Genetics Tuebingen
Classification: Uncertain significance. Last evaluated: 2022-12-01. Review status: criteria provided, single submitter. Criteria: CeGaT Center For Human Genetics Tuebingen Variant Classification Criteria Version 2. Collection method: clinical testing. Allele origin: germline. Affected: yes. Observed: 1 variant allele.
Comment: ZFYVE26: PM2, BP1, BP4

Blueprint Genetics
Classification: Uncertain significance. Last evaluated: 2019-12-18. Review status: criteria provided, single submitter. Criteria: ACMG Guidelines, 2015. Collection method: clinical testing. Allele origin: germline.